The following is an entry in ClinVar:

ClinVar aggregate classification (germline): Uncertain significance (1 of 4 stars; one submission).

Conditions:
Weaver syndrome (WVS). Also called: Weaver Smith syndrome; Overgrowth syndrome with accelerated skeletal maturation, unusual facies, and camptodactyly. Identifiers: Orphanet 3447, MedGen C0265210, MONDO:0010193, OMIM 277590.

Submission:

3billion
Classification: Uncertain significance for Weaver syndrome. Last evaluated: 2024-01-02. Review status: criteria provided, single submitter. Criteria: ACMG Guidelines, 2015. Collection method: clinical testing. Allele origin: germline. Affected: yes.
Comment: The variant is not observed in the gnomAD v2.1.1 dataset. Predicted Consequence/Location: Frameshift: predicted to result in a loss or disruption of normal protein function through protein truncation. The predicted truncated protein may be shortened by less than 10%. Therefore, this variant is classified as VUS according to the recommendation of ACMG/AMP guideline.

NM_004456.5(EZH2):c.2208_2209dup (p.Asp737fs)

Gene: EZH2 (enhancer of zeste 2 polycomb repressive complex 2 subunit; minus strand). Cytogenetic location: 7q36.1.
Variant type: Duplication.
Coding change: c.2208_2209dup on transcript NM_004456.5 (MANE Select); coding-DNA positions 2208 to 2209, 2 bases duplicated (TG; older notation c.2208_2209dupTG).
Protein change: p.Asp737fs; shifts the reading frame from aspartic acid 737.
Molecular consequence: frameshift variant.
Genome position (GRCh38, 1-based): chr7:148,807,693-148,807,694, CA duplicated on the plus strand (TG on the coding strand, the reverse complement: EZH2 is on the minus strand). VCF-style (leftmost placement, unchanged base first): chr7-148807692-T-TCA. GRCh37 (hg19) VCF-style: chr7-148504784-T-TCA.
Other names: c.2193_2194dup, p.Asp732fs (NM_001203247.2); c.2166_2167dup, p.Asp723fs (NM_001203248.2); c.2040_2041dup, p.Asp681fs (NM_001203249.2); c.2076_2077dup, p.Asp693fs (NM_152998.3); short protein forms D681fs, D693fs, D723fs, D732fs, D737fs.
Identifiers: ClinVar variation 3775629 (VCV003775629.1).